The following is an entry in ClinVar:

ClinVar aggregate classification (germline): Uncertain significance. Review status: criteria provided, multiple submitters, no conflicts (2 of 4 stars). 2 submissions from 2 submitters: Uncertain significance (2). Last evaluated 2025-12-01.

Conditions:
Autosomal dominant Robinow syndrome 1. Also called: FETAL FACE SYNDROME; ROBINOW DWARFISM; WNT5A-Related Robinow Syndrome, Autosomal Dominant; Covesdem syndrome (formerly); Costovertebral segmentation defect with mesomelia (formerly); ACRAL DYSOSTOSIS WITH FACIAL AND GENITAL ABNORMALITIES. Identifiers: Orphanet 3107, Orphanet 97360, MedGen C4551475, MONDO:0024455, OMIM 180700.

Allele frequency attached by ClinVar (database versions not stated): gnomAD exomes 0.00001; TOPMed 0.00002; gnomAD 0.00003.

Submissions (2):

Labcorp Genetics (formerly Invitae), Labcorp
Classification: Uncertain significance. Last evaluated: 2025-12-01. Review status: criteria provided, single submitter. Criteria: Invitae Variant Classification Sherloc (09022015). Collection method: clinical testing. Allele origin: germline.
Comment: This sequence change replaces methionine, which is neutral and non-polar, with valine, which is neutral and non-polar, at codon 150 of the WNT5A protein (p.Met150Val). The frequency data for this variant in the population databases is considered unreliable, as metrics indicate poor data quality at this position in the gnomAD database. This variant has not been reported in the literature in individuals affected with WNT5A-related conditions. ClinVar contains an entry for this variant (Variation ID: 1441429). Invitae Evidence Modeling of protein sequence and biophysical properties (such as structural, functional, and spatial information, amino acid conservation, physicochemical variation, residue mobility, and thermodynamic stability) indicates that this missense variant is not expected to disrupt WNT5A protein function with a negative predictive value of 80%. In summary, the available evidence is currently insufficient to determine the role of this variant in disease. Therefore, it has been classified as a Variant of Uncertain Significance.

Fulgent Genetics
Classification: Uncertain significance for Autosomal dominant Robinow syndrome 1. Last evaluated: 2024-05-13. Review status: criteria provided, single submitter. Criteria: ACMG Guidelines, 2015. Collection method: clinical testing. Allele origin: germline.

NM_003392.7(WNT5A):c.448A>G (p.Met150Val)

Gene: WNT5A (Wnt family member 5A; minus strand). Cytogenetic location: 3p14.3.
Variant type: single nucleotide variant.
Coding change: c.448A>G on transcript NM_003392.7 (MANE Select); coding-DNA position 448, A replaced by G.
Protein change: p.Met150Val; replaces methionine 150 with valine.
Molecular consequence: missense variant.
Genome position (GRCh38, 1-based): chr3:55,474,573, T>C on the plus strand (A>G on the coding strand, the complement: WNT5A is on the minus strand). VCF-style: chr3-55474573-T-C. GRCh37 (hg19) VCF-style: chr3-55508601-T-C.
Other names: c.403A>G, p.Met135Val (NM_001256105.1, NM_001377271.1, NM_001377272.1); short protein forms M135V, M150V.
Identifiers: ClinVar variation 1441429 (VCV001441429.7), dbSNP rs750679240, ClinGen allele CA2459050.
Genomic context (GRCh38, chr3:55,474,573, plus strand): 5'-GGCGCGCGGCGCGGCTGCAGCCGCAGGTGGACAGCTCGCCCTCGCGGCACGCCCGGCTCA[T>C]GGCGTTCACCACCCCTGCTGCGCTCACCGCGTATGTGAAGGCCGTCTCGCGGCTGCCTGT-3'
Protein context (NP_003383.4, residues 140-160): AVSAAGVVNA[Met150Val]SRACREGELS